The following is an entry in ClinVar:

NM_182961.4(SYNE1):c.23903C>G (p.Ser7968Cys)

Gene: SYNE1 (spectrin repeat containing nuclear envelope protein 1; minus strand). Cytogenetic location: 6q25.2.
Variant type: single nucleotide variant.
Coding change: c.23903C>G on transcript NM_182961.4 (MANE Select); coding-DNA position 23903, C replaced by G.
Protein change: p.Ser7968Cys; replaces serine 7968 with cysteine.
Molecular consequence: missense variant.
Genome position (GRCh38, 1-based): chr6:152,155,985, G>C on the plus strand (C>G on the coding strand, the complement: SYNE1 is on the minus strand). VCF-style: chr6-152155985-G-C. GRCh37 (hg19) VCF-style: chr6-152477120-G-C.
Other names: c.509C>G, p.Ser170Cys (NM_001347701.2); c.368C>G, p.Ser123Cys (NM_001347702.2); c.23690C>G, p.Ser7897Cys (NM_033071.5); short protein forms S7897C, S7968C, S170C, S123C.
Identifiers: ClinVar variation 450785 (VCV000450785.8), dbSNP rs1554441768, ClinGen allele CA366088156.
Genomic context (GRCh38, chr6:152,155,985, plus strand): 5'-ATGGACATAGCACAAATGTTTCTCCACCGCCGGTCCAGGTTTCTCGTAGCCTGCTGTATA[G>C]AGTCACACTCGGCATCAGTGGCACAGGCGTCACAGTCGTGCAGCAGGACTTCACACAGGT-3'
Protein context (NP_892006.3, residues 7958-7978): DACATDAECD[Ser7968Cys]IQQATRNLDR

ClinVar aggregate classification (germline): Uncertain significance. Review status: criteria provided, multiple submitters, no conflicts (2 of 4 stars). 3 submissions from 3 submitters: Uncertain significance (3). Last evaluated 2022-10-31.

Conditions:
Emery-Dreifuss muscular dystrophy 4, autosomal dominant (EDMD4). Also called: EMERY-DREIFUSS MUSCULAR DYSTROPHY 4 WITH VARIABLE FEATURES. Identifiers: Orphanet 261, MedGen C2751807, MONDO:0013071, OMIM 612998.
Autosomal recessive ataxia, Beauce type. Also called: Spinocerebellar ataxia, autosomal recessive 8; ATAXIA, RECESSIVE, OF BEAUCE; SYNE1-Related Autosomal Recessive Cerebellar Ataxia; SYNE1 Deficiency. Identifiers: Orphanet 88644, MedGen C1853116, MONDO:0012549, OMIM 610743.

Allele frequency attached by ClinVar (database versions not stated): gnomAD exomes below 0.00001.
gnomAD v4.1: 7 of 1,614,154 alleles (0.00043%); highest among the groups gnomAD compares: Non-Finnish European, 0.00059%; no homozygotes.

Submissions (3):

Labcorp Genetics (formerly Invitae), Labcorp
Classification: Uncertain significance for Emery-Dreifuss muscular dystrophy 4, autosomal dominant; Autosomal recessive ataxia, Beauce type. Last evaluated: 2022-10-31. Review status: criteria provided, single submitter. Criteria: Invitae Variant Classification Sherloc (09022015). Collection method: clinical testing. Allele origin: germline.
Comment: In summary, the available evidence is currently insufficient to determine the role of this variant in disease. Therefore, it has been classified as a Variant of Uncertain Significance. Algorithms developed to predict the effect of missense changes on protein structure and function are either unavailable or do not agree on the potential impact of this missense change (SIFT: "Deleterious"; PolyPhen-2: "Probably Damaging"; Align-GVGD: "Class C0"). ClinVar contains an entry for this variant (Variation ID: 450785). This variant has not been reported in the literature in individuals affected with SYNE1-related conditions. This variant is not present in population databases (gnomAD no frequency). This sequence change replaces serine, which is neutral and polar, with cysteine, which is neutral and slightly polar, at codon 7897 of the SYNE1 protein (p.Ser7897Cys).

GeneDx
Classification: Uncertain significance. Last evaluated: 2017-07-31. Review status: criteria provided, single submitter. Criteria: GeneDx Variant Classification (06012015). Collection method: clinical testing. Allele origin: germline. Affected: yes.
Comment: The S7897C variant has not been published as a pathogenic variant, nor has it been reported as a benign variant to our knowledge. The S7897C variant is not observed in large population cohorts (Lek et al., 2016; 1000 Genomes Consortium et al., 2015; Exome Variant Server). This variant is a non-conservative amino acid substitution, which is likely to impact secondary protein structure as these residues differ in polarity, charge, size and/or other properties. This substitution occurs at a position that is conserved across species, and in silico analysis predicts this variant is probably damaging to the protein structure/function. However, missense variants in nearby residues have not been reported in the Human Gene Mutation Database in association with SYNE1-related disorders (Stenson et al., 2014).

Eurofins Ntd Llc (ga)
Classification: Uncertain significance. Last evaluated: 2017-01-25. Review status: criteria provided, single submitter. Criteria: EGL Classification Definitions 2015. Collection method: clinical testing. Allele origin: germline. Observed: 1 variant allele, 1 heterozygote.